The following is an entry in ClinVar:

NM_172351.3(CD46):c.173A>C (p.Glu58Ala)

Gene: CD46 (CD46 molecule; plus strand). Cytogenetic location: 1q32.2.
Variant type: single nucleotide variant.
Coding change: c.173A>C on transcript NM_172351.3 (MANE Select); coding-DNA position 173, A replaced by C.
Protein change: p.Glu58Ala; replaces glutamic acid 58 with alanine.
Molecular consequence: missense variant.
Genome position (GRCh38, 1-based): chr1:207,757,089, A>C. VCF-style: chr1-207757089-A-C. GRCh37 (hg19) VCF-style: chr1-207930434-A-C.
Other names: c.173A>C, p.Glu58Ala (NM_002389.4, NM_153826.4, NM_172350.3 and 8 more transcripts); short protein forms E58A.
Identifiers: ClinVar variation 4291246 (VCV004291246.1).

ClinVar aggregate classification (germline): Uncertain significance (1 of 4 stars; one submission).

Conditions:
Atypical hemolytic-uremic syndrome. Identifiers: Orphanet 2134, MedGen C2931788, MONDO:0016244.

Submission:

Genomenon, Inc
Classification: Uncertain significance for Atypical hemolytic-uremic syndrome. Last evaluated: 2025-10-02. Review status: criteria provided, single submitter. Criteria: Genomenon Sequence Variant Interpretation Standards. Collection method: curation. Allele origin: germline. Affected: no.
Comment: CD46 p.Glu58Ala (c.173A>C) is a missense variant that changes the amino acid at residue 58 from Glutamic acid to Alanine. This variant has been reported in the published literature (PMID:16014961;26357573). It is absent or not present at a significant frequency in gnomAD. In silico models agree that this variant is not damaging. In conclusion, we classify CD46 p.Glu58Ala (c.173A>C) as a variant of uncertain significance.

Literature cited by the submitters: PubMed 16014961; PubMed 26357573.